The following is an entry in ClinVar:

ClinVar aggregate classification (germline): Uncertain significance (1 of 4 stars; one submission).

Submission:

GeneDx
Classification: Uncertain significance. Last evaluated: 2017-07-31. Review status: criteria provided, single submitter. Criteria: GeneDx Variant Classification (06012015). Collection method: clinical testing. Allele origin: germline. Affected: yes.
Comment: The c.2788delC variant, present in an alternate transcript of the ATP2C1 gene, has not been reported previously as a pathogenic variant nor as a benign variant, to our knowledge. The c.2788delC variant causes a frameshift starting with codon Histidine 930, changes this amino acid to a Isoleucine residue, and creates a premature Stop codon at position 8 of the new reading frame, denoted p.His930IlefsX8. This variant is predicted to cause loss of normal protein function through protein truncation. The c.2788delC variant is observed in 5/66704 (0.007%) alleles from individuals of non-Finnish European background in the ExAC dataset (Lek et al., 2016). We interpret c.2788delC as a variant of uncertain significance.

NM_001378687.1(ATP2C1):c.*28del

Gene: ATP2C1 (ATPase secretory pathway Ca2+ transporting 1; plus strand). Cytogenetic location: 3q22.1.
Variant type: Deletion.
Coding change: c.*28del on transcript NM_001378687.1 (MANE Select); 28 bases downstream of the stop codon, one base deleted (C; older notation c.*28delC).
Molecular consequence: 3 prime UTR variant. On other transcripts: intron variant (11).
Genome position (GRCh38, 1-based): chr3:131,001,378, C deleted. VCF-style (leftmost placement, unchanged base first): chr3-131001377-AC-A. GRCh37 (hg19) VCF-style: chr3-130720221-AC-A.
Other names: c.2788delC (NM_014382.3); c.*28del (NM_001199179.3, NM_001199181.3, NM_001199184.3 and 1 more transcripts); c.2856+34del (NM_001378511.1); c.2826+64del (NM_001199180.2); c.2739+34del (NM_001199182.2); c.2754+34del (NM_001001486.2, NM_001378512.1); c.2724+64del (NM_001001487.2, NM_001378513.1); c.2629+1719del (NM_001001485.3, NM_001199185.2); and 2 more.
Identifiers: ClinVar variation 503515 (VCV000503515.1), dbSNP rs1553783755, ClinGen allele CA658796381.